The following is an entry in ClinVar:

ClinVar aggregate classification (germline): Pathogenic. Review status: criteria provided, multiple submitters, no conflicts (2 of 4 stars). 8 submissions from 8 submitters: Pathogenic (8). Last evaluated 2026-03-09.

Conditions:
CFTR-related disorder (CFTR-RD). Also called: CFTR-related condition; CFTR-related disorders. Identifiers: MedGen C5924204, MONDO:7770004.
Bronchiectasis with or without elevated sweat chloride 1 (BESC1). Also called: Cystic Fibrosis-Like Syndrome. Identifiers: Orphanet 60033, MedGen C2749757, MONDO:0008887, OMIM 211400.
Cystic fibrosis (CF). Also called: MUCOVISCIDOSIS. Identifiers: Orphanet 586, MedGen C0010674, MONDO:0009061, OMIM 219700. Disease mechanism: loss of function.

Submissions (8):

Women's Health and Genetics/Laboratory Corporation of America, LabCorp
Classification: Pathogenic for Cystic fibrosis. Last evaluated: 2026-03-09. Review status: criteria provided, single submitter. Criteria: LabCorp Variant Classification Summary - May 2015. Collection method: clinical testing. Allele origin: germline.
Comment: Variant summary: CFTR c.2089dupA (p.Arg697LysfsX33) results in a premature termination codon, predicted to cause a truncation of the encoded protein or absence of the protein due to nonsense mediated decay, which are commonly known mechanisms for disease. The variant was absent in 249052 control chromosomes. c.2089dupA has been observed in individual(s) affected with Cystic Fibrosis. The following publication have been ascertained in the context of this evaluation (PMID: 18955805). ClinVar contains an entry for this variant (Variation ID: 53439). Based on the evidence outlined above, the variant was classified as pathogenic.

Ambry Genetics
Classification: Pathogenic for Cystic fibrosis. Last evaluated: 2025-11-21. Review status: criteria provided, single submitter. Criteria: Ambry Variant Classification Scheme 2023. Collection method: clinical testing. Allele origin: germline.
Comment: The c.2089dupA pathogenic mutation, located in coding exon 14 of the CFTR gene, results from a duplication of A at nucleotide position 2089, causing a translational frameshift with a predicted alternate stop codon (p.R697Kfs*33). This variant is considered to be rare based on population cohorts in the Genome Aggregation Database (gnomAD). This alteration is expected to result in loss of function by premature protein truncation or nonsense-mediated mRNA decay. As such, this alteration is interpreted as a disease-causing mutation.

Labcorp Genetics (formerly Invitae), Labcorp
Classification: Pathogenic for Cystic fibrosis. Last evaluated: 2025-11-04. Review status: criteria provided, single submitter. Criteria: Invitae Variant Classification Sherloc (09022015). Collection method: clinical testing. Allele origin: germline.
Comment: This sequence change creates a premature translational stop signal (p.Arg697Lysfs*33) in the CFTR gene. It is expected to result in an absent or disrupted protein product. Loss-of-function variants in CFTR are known to be pathogenic (PMID: 1695717, 7691345, 9725922). This variant is not present in population databases (gnomAD no frequency). This premature translational stop signal has been observed in individual(s) with cystic fibrosis (PMID: 18955805). ClinVar contains an entry for this variant (Variation ID: 53439). For these reasons, this variant has been classified as Pathogenic.

3billion
Classification: Pathogenic for Cystic fibrosis. Last evaluated: 2025-09-25. Review status: criteria provided, single submitter. Criteria: ACMG Guidelines, 2015. Collection method: clinical testing. Allele origin: germline. Affected: yes.
Comment: The variant is not observed in the gnomAD v4.1.0 dataset. Predicted Consequence/Location: Frameshift: predicted to result in a loss or disruption of normal protein function through nonsense-mediated decay (NMD) or protein truncation. Multiple pathogenic variants are reported downstream of the variant. The variant has been reported at least twice as pathogenic with clinical assertions and evidence for the classification (ClinVar ID: VCV000053439 /PMID: 18955805). Therefore, this variant is classified as Pathogenic according to the recommendation of ACMG/AMP guideline.

GeneDx
Classification: Pathogenic. Last evaluated: 2025-04-01. Review status: criteria provided, single submitter. Criteria: GeneDx Variant Classification Process June 2021. Collection method: clinical testing. Allele origin: germline.
Comment: Observed with a second CFTR variant, in trans, in an individual with features of cystic fibrosis (PMID: 18955805); Frameshift variant predicted to result in protein truncation or nonsense mediated decay in a gene for which loss of function is a known mechanism of disease; Not observed at significant frequency in large population cohorts (gnomAD); This variant is associated with the following publications: (PMID: 21779199, 27806795, 36174992, 18955805, 25688174, 39031495)

Natera, Inc.
Classification: Pathogenic for CFTR-related disorders. Last evaluated: 2025-03-21. Review status: criteria provided, single submitter. Criteria: Natera Variant Classification Schema (03/2026). Collection method: clinical testing. Allele origin: germline.
Comment: The c.2089dupA variant in CFTR is a frameshift variant predicted to shift the reading frame beginning at codon 697 and leads to a stop codon 33 codons downstream. This variant is expected to result in nonsense mediated decay, truncation, or a dysfunctional protein product. This variant is rare in the general population with a frequency below the threshold expected for the associated phenotype(s). This variant has been observed in one or more individuals affected with the associated recessive disease, as either homozygous or compound heterozygous with a second variant (PMID: 18955805). Given the available evidence, this variant is classified as Pathogenic.

Baylor Genetics
Classification: Pathogenic for Bronchiectasis with or without elevated sweat chloride 1. Last evaluated: 2023-07-15. Review status: criteria provided, single submitter. Criteria: ACMG Guidelines, 2015. Collection method: clinical testing. Allele origin: unknown.

CFTR-France
Classification: Pathogenic for cystic fibrosis. Last evaluated: 2018-01-29. Review status: criteria provided, single submitter. Criteria: Claustres M et al. (Hum Mutat 2017). Collection method: curation. Allele origin: germline. Affected: yes.

Literature cited by the submitters: PubMed 18955805 (cited by 4 submitters); PubMed 1695717 (cited by Labcorp Genetics (formerly Invitae), Labcorp); PubMed 7691345 (cited by Labcorp Genetics (formerly Invitae), Labcorp); PubMed 9725922 (cited by Labcorp Genetics (formerly Invitae), Labcorp).

NM_000492.4(CFTR):c.2089dup (p.Arg697fs)

Gene: CFTR (CF transmembrane conductance regulator; plus strand). Cytogenetic location: 7q31.2.
Variant type: Duplication.
Coding change: c.2089dup on transcript NM_000492.4 (MANE Select); coding-DNA position 2089, one base duplicated (A; older notation c.2089dupA).
Protein change: p.Arg697fs; shifts the reading frame from arginine 697.
Molecular consequence: frameshift variant.
Genome position (GRCh38, 1-based): chr7:117,592,256, A duplicated; the last of 6 consecutive A bases (chr7:117,592,251-117,592,256); duplicating any one gives the same sequence. VCF-style (leftmost placement, unchanged base first): chr7-117592250-G-GA. GRCh37 (hg19) VCF-style: chr7-117232304-G-GA.
Other names: c.2089_2090insA (NM_000492.3); c.2089dupA (NM_000492.3, NM_000492.4); short protein forms R697fs.
Identifiers: ClinVar variation 53439 (VCV000053439.12), dbSNP rs397508341, ClinGen allele CA326748.